The following is an entry in ClinVar:

ClinVar aggregate classification (germline): Uncertain significance (1 of 4 stars; one submission).

gnomAD v4.1: 67 of 1,570,148 alleles (0.0043%); highest among the groups gnomAD compares: African/African-American, 0.0068%; no homozygotes.

Submission:

Labcorp Genetics (formerly Invitae), Labcorp
Classification: Uncertain significance. Last evaluated: 2025-12-09. Review status: criteria provided, single submitter. Criteria: Invitae Variant Classification Sherloc (09022015). Collection method: clinical testing. Allele origin: germline.
Comment: This sequence change replaces arginine, which is basic and polar, with cysteine, which is neutral and slightly polar, at codon 1400 of the ADGRB2 protein (p.Arg1400Cys). This variant is present in population databases (rs776687412, gnomAD 0.005%). This variant has not been reported in the literature in individuals affected with ADGRB2-related conditions. An algorithm developed to predict the effect of missense changes on protein structure and function (PolyPhen-2) suggests that this variant is likely to be disruptive. In summary, the available evidence is currently insufficient to determine the role of this variant in disease. Therefore, it has been classified as a Variant of Uncertain Significance.

NM_001364857.2(ADGRB2):c.4297C>T (p.Arg1433Cys)

Gene: ADGRB2 (adhesion G protein-coupled receptor B2; minus strand). Cytogenetic location: 1p35.2.
Variant type: single nucleotide variant.
Coding change: c.4297C>T on transcript NM_001364857.2 (MANE Select); coding-DNA position 4297, C replaced by T.
Protein change: p.Arg1433Cys; replaces arginine 1433 with cysteine.
Molecular consequence: missense variant.
Genome position (GRCh38, 1-based): chr1:31,730,883, G>A on the plus strand (C>T on the coding strand, the complement: ADGRB2 is on the minus strand). VCF-style: chr1-31730883-G-A. GRCh37 (hg19) VCF-style: chr1-32196484-G-A.
Other names: c.4297C>T, p.Arg1433Cys (NM_001294335.2); c.4198C>T, p.Arg1400Cys (NM_001294336.2); short protein forms R1433C, R1400C.
Identifiers: ClinVar variation 4752438 (VCV004752438.1).